The following is an entry in ClinVar:

ClinVar aggregate classification (germline): Uncertain significance (1 of 4 stars; one submission).

Conditions:
Spastic paraplegia, intellectual disability, nystagmus, and obesity. Also called: Spastic paraplegia, intellectual disability, nystagmus, and obesity;. Identifiers: Orphanet 521390, MedGen C4284592, MONDO:0015007, OMIM 617296.
Ventriculomegaly and arthrogryposis. Identifiers: MedGen C5561973, MONDO:0859184, OMIM 619501.

Submission:

Juno Genomics, Hangzhou Juno Genomics, Inc
Classification: Uncertain significance for Spastic paraplegia, intellectual disability, nystagmus, and obesity; Ventriculomegaly and arthrogryposis. Review status: criteria provided, single submitter. Criteria: ACMG Guidelines, 2015. Collection method: clinical testing. Allele origin: germline.
Comment: Absent from controls (or at extremely low frequency if recessive) in Genome Aggregation Database.;Multiple lines of computational evidence support a deleterious effect on the gene or gene product.;Missense variant in a gene that has a low rate of benign missense variation.

NM_020738.4(KIDINS220):c.2938T>A (p.Ser980Thr)

Gene: KIDINS220 (kinase D interacting substrate 220; minus strand). Cytogenetic location: 2p25.1.
Variant type: single nucleotide variant.
Coding change: c.2938T>A on transcript NM_020738.4 (MANE Select); coding-DNA position 2938, T replaced by A.
Protein change: p.Ser980Thr; replaces serine 980 with threonine.
Molecular consequence: missense variant. On other transcripts: non-coding transcript variant (2).
Genome position (GRCh38, 1-based): chr2:8,770,743, A>T on the plus strand (T>A on the coding strand, the complement: KIDINS220 is on the minus strand). VCF-style: chr2-8770743-A-T. GRCh37 (hg19) VCF-style: chr2-8910873-A-T.
Other names: c.2941T>A, p.Ser981Thr (NM_001348729.2, NM_001348731.2, NM_001348734.2 and 3 more transcripts); c.2938T>A, p.Ser980Thr (NM_001348732.2, NM_001348735.2, NM_001348738.2 and 3 more transcripts); c.2812T>A, p.Ser938Thr (NM_001348736.2); short protein forms S938T, S980T, S981T.
Identifiers: ClinVar variation 5038002 (VCV005038002.2).